The following is an entry in ClinVar:

NM_001378615.1(CC2D2A):c.3601G>A (p.Gly1201Arg)

Genes: CC2D2A (coiled-coil and C2 domain containing 2A; plus strand), FBXL5 (F-box and leucine rich repeat protein 5; minus strand). Cytogenetic location: 4p15.32.
Variant type: single nucleotide variant.
Coding change: c.3601G>A on transcript NM_001378615.1 (MANE Select); coding-DNA position 3601, G replaced by A.
Protein change: p.Gly1201Arg; replaces glycine 1201 with arginine.
Molecular consequence: missense variant.
Genome position (GRCh38, 1-based): chr4:15,574,156, G>A. VCF-style: chr4-15574156-G-A. GRCh37 (hg19) VCF-style: chr4-15575779-G-A.
Other names: c.3601G>A, p.Gly1201Arg (NM_001080522.2); c.3454G>A, p.Gly1152Arg (NM_001378617.1); short protein forms G1152R, G1201R.
Identifiers: ClinVar variation 1301572 (VCV001301572.3), dbSNP rs1392733763, ClinGen allele CA356423592.

ClinVar aggregate classification (germline): Uncertain significance. Review status: criteria provided, single submitter (1 of 4 stars). 2 submissions from 1 submitter: Uncertain significance (1). 1 of the submissions does not count toward it. Last evaluated 2022-12-17.

Conditions:
Joubert syndrome 9 (JBTS9). Identifiers: Orphanet 2318, MedGen C2676788, MONDO:0012849, OMIM 612285.

Allele frequency attached by ClinVar (database versions not stated): gnomAD exomes below 0.00001; TOPMed below 0.00001; gnomAD 0.00001.
gnomAD v4.1: 5 of 1,539,718 alleles (0.00032%); highest among the groups gnomAD compares: Non-Finnish European, 0.00044%; no homozygotes.

Submissions (2):

Dubai Health Genomic Medicine Center, Dubai Health
Classification: Uncertain significance. Last evaluated: 2022-12-17. Review status: criteria provided, single submitter. Criteria: ACMG Guidelines, 2015. Collection method: clinical testing. Allele origin: germline. Affected: yes.

Dubai Health Genomic Medicine Center, Dubai Health
Classification: Uncertain significance for Joubert syndrome 9. Last evaluated: 2020-12-14. Review status: flagged submission. Criteria: ACMG Guidelines, 2015. Collection method: clinical testing. Allele origin: germline. Affected: yes. Not counted in ClinVar's aggregate classification.
Comment: The p.Gly1201Arg missense variant in CC2D2A has not previously reported in affected individuals and was absent from large population studies such as the Genome Aggregation Database (gnomAD) and the Greater Middle East (GME) variome database. Computational prediction tools and conservation analysis suggest an impact to protein function however this information is not predictive enough to confirm pathogenicity. In summary more information is needed to fully assess the clinical significance of this variant.
ClinVar note: Reason: This record appears to be redundant with a more recent record from the same submitter.
ClinVar note: Notes: SCV001984086 appears to be redundant with SCV002774984.